The following is an entry in ClinVar:

NM_002180.3(IGHMBP2):c.2452C>A (p.Pro818Thr)

Gene: IGHMBP2 (immunoglobulin mu DNA binding protein 2; plus strand). Cytogenetic location: 11q13.3.
Variant type: single nucleotide variant.
Coding change: c.2452C>A on transcript NM_002180.3 (MANE Select); coding-DNA position 2452, C replaced by A.
Protein change: p.Pro818Thr; replaces proline 818 with threonine.
Molecular consequence: missense variant.
Genome position (GRCh38, 1-based): chr11:68,936,932, C>A. VCF-style: chr11-68936932-C-A. GRCh37 (hg19) VCF-style: chr11-68704400-C-A.
Other names: short protein forms P818T.
Identifiers: ClinVar variation 1998879 (VCV001998879.4), dbSNP rs1859563868, ClinGen allele CA381653686.

ClinVar aggregate classification (germline): Uncertain significance (1 of 4 stars; one submission).

Conditions:
Autosomal recessive distal spinal muscular atrophy 1. Also called: NEURONOPATHY, SEVERE INFANTILE AXONAL, WITH RESPIRATORY FAILURE; SEVERE INFANTILE AXONAL NEUROPATHY WITH RESPIRATORY FAILURE; SPINAL MUSCULAR ATROPHY, DIAPHRAGMATIC; Spinal muscular atrophy with respiratory distress 1; HMN VI; NEURONOPATHY, DISTAL HEREDITARY MOTOR, HARDING TYPE VI. Identifiers: Orphanet 98920, MedGen C1858517, MONDO:0011436, OMIM 604320.
Charcot-Marie-Tooth disease axonal type 2S. Also called: CHARCOT-MARIE-TOOTH NEUROPATHY, TYPE 2S; CHARCOT-MARIE-TOOTH DISEASE, AXONAL, AUTOSOMAL RECESSIVE, TYPE 2S. Identifiers: Orphanet 443073, MedGen C4015349, MONDO:0014511, OMIM 616155.

Allele frequency attached by ClinVar (database versions not stated): gnomAD 0.00001.
gnomAD v4.1: 1 of 1,603,824 alleles (0.000062%); highest among the groups gnomAD compares: African/African-American, 0.0013%; no homozygotes.

Submission:

Labcorp Genetics (formerly Invitae), Labcorp
Classification: Uncertain significance for Autosomal recessive distal spinal muscular atrophy 1; Charcot-Marie-Tooth disease axonal type 2S. Last evaluated: 2022-05-25. Review status: criteria provided, single submitter. Criteria: Invitae Variant Classification Sherloc (09022015). Collection method: clinical testing. Allele origin: germline.
Comment: This variant has not been reported in the literature in individuals affected with IGHMBP2-related conditions. In summary, the available evidence is currently insufficient to determine the role of this variant in disease. Therefore, it has been classified as a Variant of Uncertain Significance. Advanced modeling of protein sequence and biophysical properties (such as structural, functional, and spatial information, amino acid conservation, physicochemical variation, residue mobility, and thermodynamic stability) performed at Invitae indicates that this missense variant is not expected to disrupt IGHMBP2 protein function. This variant is not present in population databases (gnomAD no frequency). This sequence change replaces proline, which is neutral and non-polar, with threonine, which is neutral and polar, at codon 818 of the IGHMBP2 protein (p.Pro818Thr).